The following is an entry in ClinVar:

ClinVar aggregate classification (germline): Uncertain significance (1 of 4 stars; one submission).

Conditions:
Hajdu-Cheney syndrome (HJCYS). Also called: SERPENTINE FIBULA-POLYCYSTIC KIDNEY SYNDROME; Acroosteolysis dominant type; ACROOSTEOLYSIS WITH OSTEOPOROSIS AND CHANGES IN SKULL AND MANDIBLE. Identifiers: Orphanet 955, MedGen C0917715, MONDO:0007057, OMIM 102500.

Submission:

Labcorp Genetics (formerly Invitae), Labcorp
Classification: Uncertain significance for Hajdu-Cheney syndrome. Last evaluated: 2025-04-18. Review status: criteria provided, single submitter. Criteria: Invitae Variant Classification Sherloc (09022015). Collection method: clinical testing. Allele origin: germline.
Comment: This sequence change falls in intron 10 of the NOTCH2 gene. It does not directly change the encoded amino acid sequence of the NOTCH2 protein. Information on the frequency of this variant in the gnomAD database is not available, as this variant may be reported differently in the database. This variant has not been reported in the literature in individuals affected with NOTCH2-related conditions. ClinVar contains an entry for this variant (Variation ID: 2913424). Experimental studies and prediction algorithms are not available or were not evaluated, and the effect of this variant on mRNA splicing is currently unknown. In summary, the available evidence is currently insufficient to determine the role of this variant in disease. Therefore, it has been classified as a Variant of Uncertain Significance.

NM_024408.4(NOTCH2):c.1681+13_1681+14delinsCA

Gene: NOTCH2 (notch receptor 2; minus strand). Cytogenetic location: 1p12.
Variant type: Indel.
Coding change: c.1681+13_1681+14delinsCA on transcript NM_024408.4 (MANE Select); bases 13 to 14 of the intron after coding-DNA position 1681, TC replaced by CA.
Molecular consequence: intron variant.
Genome position (GRCh38, 1-based): chr1:119,965,439-119,965,440, GA replaced by TG on the plus strand (TC replaced by CA on the coding strand, the reverse complement: NOTCH2 is on the minus strand). VCF-style: chr1-119965439-GA-TG. GRCh37 (hg19) VCF-style: chr1-120508062-GA-TG.
Other names: c.1681+13_1681+14delinsCA (NM_001200001.2).
Identifiers: ClinVar variation 2913424 (VCV002913424.3), dbSNP rs2526296008, ClinGen allele CA2739275247.
Genomic context (GRCh38, chr1:119,965,439, plus strand): 5'-CAGAGGACAGGGACAATCACCCTATTTTGTTCAGATGGACCTACCAAGGAGATGAAAAGT[GA>TG]GAAGAATCTTACCTGTGGCACACTGGCATTCATAGCCATTCGGGTGATCGATACACTTTG-3'